The following is an entry in ClinVar:

NM_000260.4(MYO7A):c.1190C>T (p.Ala397Val)

Gene: MYO7A (myosin VIIA; plus strand). Cytogenetic location: 11q13.5.
Variant type: single nucleotide variant.
Coding change: c.1190C>T on transcript NM_000260.4 (MANE Select); coding-DNA position 1190, C replaced by T.
Protein change: p.Ala397Val; replaces alanine 397 with valine.
Molecular consequence: missense variant.
Genome position (GRCh38, 1-based): chr11:77,160,272, C>T. VCF-style: chr11-77160272-C-T. GRCh37 (hg19) VCF-style: chr11-76871318-C-T.
Other names: c.1190C>T, p.Ala397Val (NM_001127180.2); c.1157C>T, p.Ala386Val (NM_001369365.1); short protein forms A386V, A397V.
Identifiers: ClinVar variation 1934933 (VCV001934933.5), dbSNP rs1555067667, ClinGen allele CA381934662.

ClinVar aggregate classification (germline): Likely pathogenic (1 of 4 stars; one submission).

gnomAD v4.1: 1 of 1,563,886 alleles (0.000064%); no homozygotes.

Submission:

Labcorp Genetics (formerly Invitae), Labcorp
Classification: Likely pathogenic. Last evaluated: 2022-03-27. Review status: criteria provided, single submitter. Criteria: Invitae Variant Classification Sherloc (09022015). Collection method: clinical testing. Allele origin: germline.
Comment: In summary, the currently available evidence indicates that the variant is pathogenic, but additional data are needed to prove that conclusively. Therefore, this variant has been classified as Likely Pathogenic. This variant disrupts the p.Ala397 amino acid residue in MYO7A. Other variant(s) that disrupt this residue have been determined to be pathogenic (PMID: 23591405, 28944237; Invitae). This suggests that this residue is clinically significant, and that variants that disrupt this residue are likely to be disease-causing. Advanced modeling of protein sequence and biophysical properties (such as structural, functional, and spatial information, amino acid conservation, physicochemical variation, residue mobility, and thermodynamic stability) performed at Invitae indicates that this missense variant is expected to disrupt MYO7A protein function. This missense change has been observed in individual(s) with autosomal recessive deafness (PMID: 32991204). This variant is not present in population databases (gnomAD no frequency). This sequence change replaces alanine, which is neutral and non-polar, with valine, which is neutral and non-polar, at codon 397 of the MYO7A protein (p.Ala397Val).

Literature cited by the submitters: PubMed 23591405; PubMed 28944237; PubMed 32991204.